The following is an entry in ClinVar:

NM_138694.4(PKHD1):c.6628G>C (p.Gly2210Arg)

Gene: PKHD1 (PKHD1 ciliary IPT domain containing fibrocystin/polyductin; minus strand). Cytogenetic location: 6p12.2.
Variant type: single nucleotide variant.
Coding change: c.6628G>C on transcript NM_138694.4 (MANE Select); coding-DNA position 6628, G replaced by C.
Protein change: p.Gly2210Arg; replaces glycine 2210 with arginine.
Molecular consequence: missense variant.
Genome position (GRCh38, 1-based): chr6:51,909,337, C>G on the plus strand (G>C on the coding strand, the complement: PKHD1 is on the minus strand). VCF-style: chr6-51909337-C-G. GRCh37 (hg19) VCF-style: chr6-51774135-C-G.
Other names: c.6628G>C, p.Gly2210Arg (NM_170724.3); short protein forms G2210R.
Identifiers: ClinVar variation 3029870 (VCV003029870.2), dbSNP rs2536622235, ClinGen allele CA364434389.

ClinVar aggregate classification (germline): Uncertain significance (0 of 4 stars; one submission).

Conditions:
PKHD1-related disorder. Also called: PKHD1-related condition.

Submission:

PreventionGenetics, part of Exact Sciences
Classification: Uncertain significance for PKHD1-related condition. Last evaluated: 2024-02-08. Review status: no assertion criteria provided. Collection method: clinical testing. Allele origin: germline.
Comment: The PKHD1 c.6628G>C variant is predicted to result in the amino acid substitution p.Gly2210Arg. To our knowledge, this variant has not been reported in the literature or in a large population database, indicating this variant is rare. Of note, a different amino acid change affecting this residue has been reported with a pathogenic PKHD1 variant in an individual with autosomal recessive polycystic kidney disease (ARPKD) (c.6629G>A, p.Gly2210Glu in Gunay-Aygun et al. 2010. PubMed ID: 19914852). Although we suspect the c.6628G>C (p.Gly2210Arg) variant is pathogenic, at this time, the clinical significance of this variant is uncertain due to the absence of conclusive functional and genetic evidence.